The following is an entry in ClinVar:

NM_025179.4(PLXNA2):c.2292C>T (p.Asn764=)

Gene: PLXNA2 (plexin A2; minus strand). Cytogenetic location: 1q32.2.
Variant type: single nucleotide variant.
Coding change: c.2292C>T on transcript NM_025179.4 (MANE Select); coding-DNA position 2292, C replaced by T.
Protein change: p.Asn764=; no amino-acid change (asparagine 764 retained).
Molecular consequence: synonymous variant.
Genome position (GRCh38, 1-based): chr1:208,084,386, G>A on the plus strand (C>T on the coding strand, the complement: PLXNA2 is on the minus strand). VCF-style: chr1-208084386-G-A. GRCh37 (hg19) VCF-style: chr1-208257731-G-A.
Identifiers: ClinVar variation 4983550 (VCV004983550.1).

ClinVar aggregate classification (germline): Likely benign (1 of 4 stars; one submission).

Conditions:
PLXNA2-related disorder. Also called: PLXNA2-related condition.

gnomAD v4.1: 2 of 1,614,242 alleles (0.00012%); highest among the groups gnomAD compares: Non-Finnish European, 0.000085%; no homozygotes.

Submission:

PreventionGenetics, part of Exact Sciences
Classification: Likely benign for PLXNA2-related condition. Last evaluated: 2025-08-13. Review status: criteria provided, single submitter. Criteria: ACMG Guidelines, 2015. Collection method: clinical testing. Allele origin: germline.
Comment: This variant is classified as likely benign based on ACMG/AMP sequence variant interpretation guidelines (Richards et al. 2015 PMID: 25741868, with internal and published modifications).